The following is an entry in ClinVar:

ClinVar aggregate classification (germline): Uncertain significance (1 of 4 stars; one submission).

Conditions:
Neurodegeneration with brain iron accumulation 6 (NBIA6). Also called: COASY protein-associated neurodegeneration. Identifiers: Orphanet 397725, MedGen C4517377, MONDO:0014290, OMIM 615643.

Submission:

Labcorp Genetics (formerly Invitae), Labcorp
Classification: Uncertain significance for Neurodegeneration with brain iron accumulation 6. Last evaluated: 2024-11-14. Review status: criteria provided, single submitter. Criteria: Invitae Variant Classification Sherloc (09022015). Collection method: clinical testing. Allele origin: germline.
Comment: This sequence change replaces threonine, which is neutral and polar, with methionine, which is neutral and non-polar, at codon 324 of the COASY protein (p.Thr324Met). This variant is present in population databases (no rsID available, gnomAD 0.002%). This variant has not been reported in the literature in individuals affected with COASY-related conditions. ClinVar contains an entry for this variant (Variation ID: 1939013). An algorithm developed to predict the effect of missense changes on protein structure and function (PolyPhen-2) suggests that this variant is likely to be tolerated. In summary, the available evidence is currently insufficient to determine the role of this variant in disease. Therefore, it has been classified as a Variant of Uncertain Significance.

NM_025233.7(COASY):c.971_972inv (p.Thr324Met)

Gene: COASY (Coenzyme A synthase; plus strand). Cytogenetic location: 17q21.2.
Variant type: Inversion.
Coding change: c.971_972inv on transcript NM_025233.7 (MANE Select).
Protein change: p.Thr324Met; replaces threonine 324 with methionine.
Molecular consequence: missense variant.
Genome position: GRCh38 VCF-style: chr17-42564501-CA-TG. GRCh37 (hg19) VCF-style: chr17-40716519-CA-TG.
Other names: c.971_972inv, p.Thr324Met (NM_001042529.3); c.1058_1059inv, p.Thr353Met (NM_001042532.4); short protein forms T324M, T353M.
Identifiers: ClinVar variation 1939013 (VCV001939013.5), ClinGen allele CA2580093748.
Genomic context (GRCh38, chr17:42,564,501, plus strand): 5'-CCCAGGACCTGGAGGAACTTGCTTTGTACCAGATCCAGCTGCTGAAGGACCTCAGACATA[CA>TG]GAGAATGAAGAGGACAAAGTCAGCTCCTCCAGCTTCCGCCAGCGAATGTTGGGGAACCTG-3'
Protein context (NP_079509.5, residues 314-334): QIQLLKDLRH[Thr324Met]ENEEDKVSSS